The following is an entry in ClinVar:

ClinVar aggregate classification (germline): Conflicting classifications of pathogenicity. Review status: criteria provided, conflicting classifications (1 of 4 stars). 2 submissions from 2 submitters: Likely pathogenic (1); Uncertain significance (1). Last evaluated 2025-07-06.

Conditions:
GNB3-related disorders.

Allele frequency attached by ClinVar (database versions not stated): gnomAD 0.00001; gnomAD exomes 0.00001 and 0.00002; ExAC 0.00003.

Submissions (2):

Labcorp Genetics (formerly Invitae), Labcorp
Classification: Uncertain significance. Last evaluated: 2025-07-06. Review status: criteria provided, single submitter. Criteria: Invitae Variant Classification Sherloc (09022015). Collection method: clinical testing. Allele origin: germline.
Comment: This sequence change creates a premature translational stop signal (p.Trp211*) in the GNB3 gene. It is expected to result in an absent or disrupted protein product. However, the current clinical and genetic evidence is not sufficient to establish whether loss-of-function variants in GNB3 cause disease. This variant is present in population databases (rs781795582, gnomAD 0.02%). This variant has not been reported in the literature in individuals affected with GNB3-related conditions. ClinVar contains an entry for this variant (Variation ID: 958241). In summary, the available evidence is currently insufficient to determine the role of this variant in disease. Therefore, it has been classified as a Variant of Uncertain Significance.

Blueprint Genetics
Classification: Likely pathogenic for GNB3-related disorders. Last evaluated: 2023-10-05. Review status: criteria provided, single submitter. Criteria: ACMG Guidelines, 2015. Collection method: clinical testing. Allele origin: germline. Affected: yes. Observed: 2 variant alleles.

NM_002075.4(GNB3):c.632G>A (p.Trp211Ter)

Gene: GNB3 (G protein subunit beta 3; plus strand). Cytogenetic location: 12p13.31.
Variant type: single nucleotide variant.
Coding change: c.632G>A on transcript NM_002075.4 (MANE Select); coding-DNA position 632, G replaced by A.
Protein change: p.Trp211Ter; replaces tryptophan 211 with a stop codon.
Molecular consequence: nonsense.
Genome position (GRCh38, 1-based): chr12:6,843,911, G>A. VCF-style: chr12-6843911-G-A. GRCh37 (hg19) VCF-style: chr12-6953075-G-A.
Other names: c.629G>A, p.Trp210Ter (NM_001297571.2); short protein forms W211*, W210*.
Identifiers: ClinVar variation 958241 (VCV000958241.8), dbSNP rs781795582, ClinGen allele CA6417600.